The following is an entry in ClinVar:

ClinVar aggregate classification (germline): Benign. Review status: criteria provided, multiple submitters, no conflicts (2 of 4 stars). 4 submissions from 4 submitters: Benign (3). 1 of the submissions does not count toward it. Last evaluated 2024-01-29.

Conditions:
PTGS1-related disorder. Also called: PTGS1-related condition.

Allele frequency attached by ClinVar (database versions not stated): TOPMed 0.01578; ESP Exome Variant Server 0.01661; 1000 Genomes Project 30x 0.01843; gnomAD exomes 0.00141 and 0.00386; ExAC 0.00440; 1000 Genomes Project 0.01637; gnomAD 0.01441 and 0.01544.
gnomAD v4.1: 4,342 of 1,612,484 alleles (0.27%); highest among the groups gnomAD compares: African/African-American, 4.8%; 89 homozygotes.

Submissions (4):

Mayo Clinic Laboratories, Mayo Clinic
Classification: Benign. Last evaluated: 2024-01-29. Review status: criteria provided, single submitter. Criteria: ACMG Guidelines, 2015. Collection method: clinical testing. Allele origin: germline. Observed: 8 variant alleles.
Comment: BS1, BS2, BP4, BP7

Labcorp Genetics (formerly Invitae), Labcorp
Classification: Benign. Last evaluated: 2018-08-16. Review status: criteria provided, single submitter. Criteria: Invitae Variant Classification Sherloc (09022015). Collection method: clinical testing. Allele origin: germline.

Breakthrough Genomics
Classification: Benign. Review status: criteria provided, single submitter. Criteria: ACMG Guidelines, 2015. Collection method: not provided. Allele origin: germline. Inheritance: Unknown mechanism. Affected: yes.

PreventionGenetics, part of Exact Sciences
Classification: Benign for PTGS1-related condition. Last evaluated: 2024-02-08. Review status: no assertion criteria provided. Collection method: clinical testing. Allele origin: germline. Not counted in ClinVar's aggregate classification.
Comment: This variant is classified as benign based on ACMG/AMP sequence variant interpretation guidelines (Richards et al. 2015 PMID: 25741868, with internal and published modifications).

NM_000962.4(PTGS1):c.204C>T (p.Cys68=)

Gene: PTGS1 (prostaglandin-endoperoxide synthase 1; plus strand). Cytogenetic location: 9q33.2.
Variant type: single nucleotide variant.
Coding change: c.204C>T on transcript NM_000962.4 (MANE Select); coding-DNA position 204, C replaced by T.
Protein change: p.Cys68=; no amino-acid change (cysteine 68 retained).
Molecular consequence: synonymous variant. On other transcripts: 5 prime UTR variant (3).
Genome position (GRCh38, 1-based): chr9:122,378,008, C>T. VCF-style: chr9-122378008-C-T. GRCh37 (hg19) VCF-style: chr9-125140287-C-T.
Other names: p.Cys68=; c.204C>T, p.Cys68= (NM_001271164.2, NM_080591.3); c.-124C>T (NM_001271165.2, NM_001271166.2, NM_001271367.2); c.129C>T, p.Cys43= (NM_001271368.2).
Identifiers: ClinVar variation 786578 (VCV000786578.7), dbSNP rs3842790, ClinGen allele CA5224702.
Genomic context (GRCh38, chr9:122,378,008, plus strand): 5'-CTTCGGCCTTGACCGCTACCAGTGTGACTGCACCCGCACGGGCTATTCCGGCCCCAACTG[C>T]ACCATCCGTGAGCTGGGCCTTCAGCCCTCACTCCTTCCGTCTTGAGCCCTTCTGCTCCCC-3'
Protein context (NP_000953.2, residues 58-78): CTRTGYSGPN[Cys68=]TIPGLWTWLR